The following is an entry in ClinVar:

NM_000043.6(FAS):c.814G>A (p.Glu272Lys)

Gene: FAS (Fas cell surface death receptor; plus strand). Cytogenetic location: 10q23.31.
Variant type: single nucleotide variant.
Coding change: c.814G>A on transcript NM_000043.6 (MANE Select); coding-DNA position 814, G replaced by A.
Protein change: p.Glu272Lys; replaces glutamic acid 272 with lysine.
Molecular consequence: missense variant. On other transcripts: 3 prime UTR variant (2), non-coding transcript variant (7).
Genome position (GRCh38, 1-based): chr10:89,014,256, G>A. VCF-style: chr10-89014256-G-A. GRCh37 (hg19) VCF-style: chr10-90774013-G-A.
Other names: c.*137G>A (NM_001320619.2); c.859G>A, p.Glu287Lys (NM_001410956.1); c.751G>A, p.Glu251Lys (NM_152871.4); c.*126G>A (NM_152872.4); short protein forms E251K, E287K, E272K.
Identifiers: ClinVar variation 2136917 (VCV002136917.5), dbSNP rs2495226256, ClinGen allele CA377509870.

ClinVar aggregate classification (germline): Pathogenic/Likely pathogenic. Review status: criteria provided, multiple submitters, no conflicts (2 of 4 stars). 2 submissions from 2 submitters: Pathogenic (1); Likely pathogenic (1). Last evaluated 2023-01-26.

Conditions:
FAS-related disorder. Also called: FAS-related condition.
Autoimmune lymphoproliferative syndrome type 1. Also called: AUTOIMMUNE LYMPHOPROLIFERATIVE SYNDROME, TYPE I, AUTOSOMAL DOMINANT. Identifiers: Orphanet 3261, MedGen C2717884, MONDO:0011158, OMIM 601859.

Submissions (2):

Blueprint Genetics
Classification: Likely pathogenic for FAS-related disorders. Last evaluated: 2023-01-26. Review status: criteria provided, single submitter. Criteria: ACMG Guidelines, 2015. Collection method: clinical testing. Allele origin: germline. Affected: yes. Observed: 1 variant allele.

Labcorp Genetics (formerly Invitae), Labcorp
Classification: Pathogenic for Autoimmune lymphoproliferative syndrome. Last evaluated: 2022-09-21. Review status: criteria provided, single submitter. Criteria: Invitae Variant Classification Sherloc (09022015). Collection method: clinical testing. Allele origin: germline.
Comment: For these reasons, this variant has been classified as Pathogenic. Experimental studies have shown that this missense change affects FAS function (PMID: 20935634). Advanced modeling of protein sequence and biophysical properties (such as structural, functional, and spatial information, amino acid conservation, physicochemical variation, residue mobility, and thermodynamic stability) performed at Invitae indicates that this missense variant is expected to disrupt FAS protein function. This variant is also known as E256K. This missense change has been observed in individual(s) with autosomal dominant autoimmune lymphoproliferative syndrome (PMID: 10515860; Invitae). In at least one individual the variant was observed to be de novo. This variant is not present in population databases (gnomAD no frequency). This sequence change replaces glutamic acid, which is acidic and polar, with lysine, which is basic and polar, at codon 272 of the FAS protein (p.Glu272Lys).

Literature cited by the submitters: PubMed 20935634 (cited by Labcorp Genetics (formerly Invitae), Labcorp); PubMed 10515860 (cited by Labcorp Genetics (formerly Invitae), Labcorp).